The following is an entry in ClinVar:

NM_153682.3(PIGP):c.336A>C (p.Arg112Ser)

Gene: PIGP (phosphatidylinositol glycan anchor biosynthesis class P; minus strand). Cytogenetic location: 21q22.13.
Variant type: single nucleotide variant.
Coding change: c.336A>C on transcript NM_153682.3 (MANE Select); coding-DNA position 336, A replaced by C.
Protein change: p.Arg112Ser; replaces arginine 112 with serine.
Molecular consequence: missense variant.
Genome position (GRCh38, 1-based): chr21:37,065,651, T>G on the plus strand (A>C on the coding strand, the complement: PIGP is on the minus strand). VCF-style: chr21-37065651-T-G. GRCh37 (hg19) VCF-style: chr21-38437951-T-G.
Other names: c.336A>C, p.Arg112Ser (NM_001320480.2); c.258A>C, p.Arg86Ser (NM_016430.4); c.408A>C, p.Arg136Ser (NM_153681.2); c.336A>C (NM_153682.2); short protein forms R112S, R136S, R86S.
Identifiers: ClinVar variation 1609322 (VCV001609322.13), dbSNP rs2276231, ClinGen allele CA10021029.
Genomic context (GRCh38, chr21:37,065,651, plus strand): 5'-GGTGTAAAGTTCTTTGGCTGCAAGAAAGAACATTTGGTTTACTTCACTAATAGAAATATC[T>G]CTTAAGGCTGGAATGGCCTCCTCTTGGTATTTCTTCTGCTGTTGATTTTTTGCATAGTTA-3'
Protein context (NP_710149.1, residues 102-122): KYQEEAIPAL[Arg112Ser]DISISEVNQM

ClinVar aggregate classification (germline): Benign. Review status: criteria provided, multiple submitters, no conflicts (2 of 4 stars). 4 submissions from 4 submitters: Benign (3). 1 of the submissions does not count toward it. Last evaluated 2026-02-03.

Conditions:
PIGP-related disorder. Also called: PIGP-related condition.

Allele frequency attached by ClinVar (database versions not stated): ESP Exome Variant Server 0.00238; TOPMed 0.02302; 1000 Genomes Project 0.03654; 1000 Genomes Project 30x 0.03716; gnomAD exomes 0.00791 and 0.02707; gnomAD 0.01612 and 0.01456; ExAC 0.02091.
gnomAD v4.1: 14,159 of 1,613,272 alleles (0.88%); highest among the groups gnomAD compares: Admixed American, 14%; 811 homozygotes.

Submissions (4):

Labcorp Genetics (formerly Invitae), Labcorp
Classification: Benign. Last evaluated: 2026-02-03. Review status: criteria provided, single submitter. Criteria: Invitae Variant Classification Sherloc (09022015). Collection method: clinical testing. Allele origin: germline.

Dasa
Classification: Benign. Last evaluated: 2025-11-19. Review status: criteria provided, single submitter. Criteria: DASA Assertion Criteria. Collection method: clinical testing. Allele origin: germline.
Comment: NM_153682.3(PIGP):c.336A>C (p.Arg112Ser) is a missense variant that results in the substitution of arginine with serine. Population frequency is inconsistent with a disease-causing role for this variant, and observations in unaffected individuals support a benign interpretation. Therefore, based on the currently available evidence, this variant is classified as benign.

Breakthrough Genomics
Classification: Benign. Review status: criteria provided, single submitter. Criteria: ACMG Guidelines, 2015. Collection method: not provided. Allele origin: germline. Inheritance: Autosomal recessive inheritance. Affected: yes.

PreventionGenetics, part of Exact Sciences
Classification: Benign for PIGP-related condition. Last evaluated: 2021-08-04. Review status: no assertion criteria provided. Collection method: clinical testing. Allele origin: germline. Not counted in ClinVar's aggregate classification.
Comment: This variant is classified as benign based on ACMG/AMP sequence variant interpretation guidelines (Richards et al. 2015 PMID: 25741868, with internal and published modifications).